The following is an entry in ClinVar:

ClinVar aggregate classification (germline): Likely benign. Review status: criteria provided, single submitter (1 of 4 stars). 2 submissions from 2 submitters: Likely benign (1). 1 of the submissions does not count toward it. Last evaluated 2022-10-13.

Conditions:
GNAS-related disorder. Identifiers: MedGen CN380105.

Submissions (2):

Labcorp Genetics (formerly Invitae), Labcorp
Classification: Likely benign. Last evaluated: 2022-10-13. Review status: criteria provided, single submitter. Criteria: Invitae Variant Classification Sherloc (09022015). Collection method: clinical testing. Allele origin: germline.

PreventionGenetics, part of Exact Sciences
Classification: Likely benign for GNAS-related condition. Last evaluated: 2022-05-02. Review status: no assertion criteria provided. Collection method: clinical testing. Allele origin: germline. Not counted in ClinVar's aggregate classification.
Comment: This variant is classified as likely benign based on ACMG/AMP sequence variant interpretation guidelines (Richards et al. 2015 PMID: 25741868, with internal and published modifications).

NM_000516.7(GNAS):c.126C>G (p.Arg42=)

Gene: GNAS (GNAS complex locus; plus strand). Cytogenetic location: 20q13.32.
Variant type: single nucleotide variant.
Coding change: c.126C>G on transcript NM_000516.7 (MANE Select); coding-DNA position 126, C replaced by G.
Protein change: p.Arg42=; no amino-acid change (arginine 42 retained).
Molecular consequence: synonymous variant. On other transcripts: intron variant (6).
Genome position (GRCh38, 1-based): chr20:58,891,852, C>G. VCF-style: chr20-58891852-C-G. GRCh37 (hg19) VCF-style: chr20-57466907-C-G.
Other names: c.126C>G, p.Arg42= (NM_001077488.5, NM_001077489.4, NM_001309842.2 and 1 more transcripts); c.*43-3760C>G (NM_016592.5); c.-38-3760C>G (NM_001309861.2); c.*1-3760C>G (NM_001077490.3); c.2069-3760C>G (NM_080425.4); c.*159-3760C>G (NM_001309883.1); c.-39+2499C>G (NM_001309840.2).
Identifiers: ClinVar variation 715268 (VCV000715268.9), dbSNP rs1277815386, ClinGen allele CA915953133.